The following is an entry in ClinVar:

ClinVar aggregate classification (germline): Uncertain significance (1 of 4 stars; one submission).

Conditions:
Leber congenital amaurosis 6 (LCA6). Identifiers: Orphanet 65, MedGen C1854260, MONDO:0013446, OMIM 613826.
Cone-rod dystrophy 13 (CORD13). Identifiers: Orphanet 1872, MedGen C2750720, MONDO:0011987, OMIM 608194.

Allele frequency attached by ClinVar (database versions not stated): gnomAD exomes below 0.00001; ExAC 0.00001; gnomAD 0.00001.
gnomAD v4.1: 3 of 1,611,866 alleles (0.00019%); highest among the groups gnomAD compares: Non-Finnish European, 0.00025%; no homozygotes.

Submission:

Labcorp Genetics (formerly Invitae), Labcorp
Classification: Uncertain significance for Leber congenital amaurosis 6; Cone-rod dystrophy 13. Last evaluated: 2024-02-24. Review status: criteria provided, single submitter. Criteria: Invitae Variant Classification Sherloc (09022015). Collection method: clinical testing. Allele origin: germline.
Comment: This sequence change replaces glycine, which is neutral and non-polar, with arginine, which is basic and polar, at codon 1029 of the RPGRIP1 protein (p.Gly1029Arg). This variant is present in population databases (rs778563328, gnomAD 0.002%). This variant has not been reported in the literature in individuals affected with RPGRIP1-related conditions. ClinVar contains an entry for this variant (Variation ID: 2042403). Advanced modeling of protein sequence and biophysical properties (such as structural, functional, and spatial information, amino acid conservation, physicochemical variation, residue mobility, and thermodynamic stability) performed at Invitae indicates that this missense variant is expected to disrupt RPGRIP1 protein function with a positive predictive value of 80%. In summary, the available evidence is currently insufficient to determine the role of this variant in disease. Therefore, it has been classified as a Variant of Uncertain Significance.

NM_020366.4(RPGRIP1):c.3085G>A (p.Gly1029Arg)

Gene: RPGRIP1 (RPGR interacting protein 1; plus strand). Cytogenetic location: 14q11.2.
Variant type: single nucleotide variant.
Coding change: c.3085G>A on transcript NM_020366.4 (MANE Select); coding-DNA position 3085, G replaced by A.
Protein change: p.Gly1029Arg; replaces glycine 1029 with arginine.
Molecular consequence: missense variant.
Genome position (GRCh38, 1-based): chr14:21,328,613, G>A. VCF-style: chr14-21328613-G-A. GRCh37 (hg19) VCF-style: chr14-21796772-G-A.
Other names: c.1063G>A, p.Gly355Arg (NM_001377523.1, NM_001377950.1); c.2011G>A, p.Gly671Arg (NM_001377948.1); c.1171G>A, p.Gly391Arg (NM_001377949.1); c.565G>A, p.Gly189Arg (NM_001377951.1); short protein forms G671R, G1029R, G189R, G391R, G355R.
Identifiers: ClinVar variation 2042403 (VCV002042403.4), dbSNP rs778563328, ClinGen allele CA7089406.